The following is an entry in ClinVar:

NM_001374828.1(ARID1B):c.4045A>G (p.Met1349Val)

Gene: ARID1B (AT-rich interaction domain 1B; plus strand). Cytogenetic location: 6q25.3.
Variant type: single nucleotide variant.
Coding change: c.4045A>G on transcript NM_001374828.1 (MANE Select); coding-DNA position 4045, A replaced by G.
Protein change: p.Met1349Val; replaces methionine 1349 with valine.
Molecular consequence: missense variant.
Genome position (GRCh38, 1-based): chr6:157,189,767, A>G. VCF-style: chr6-157189767-A-G. GRCh37 (hg19) VCF-style: chr6-157510901-A-G.
Other names: c.3796A>G, p.Met1266Val (NM_001346813.1); c.1546A>G, p.Met516Val (NM_001363725.2); c.3925A>G, p.Met1309Val (NM_001371656.1, NM_001374820.1); c.3886A>G, p.Met1296Val (NM_017519.3); c.3676A>G, p.Met1226Val (NM_020732.3); c.3463A>G, p.Met1155Val (NM_175863.2); short protein forms M1266V, M1296V, M1226V, M1349V, M516V, M1155V, M1309V.
Identifiers: ClinVar variation 1733832 (VCV001733832.6), dbSNP rs141190049, ClinGen allele CA4067495.
Genomic context (GRCh38, chr6:157,189,767, plus strand): 5'-GTTCCAGGTGACCTGAAGCCACCTACCCCAGCCTCCACCCCTCACGGCCAGATGACTCCA[A>G]TGCAAGGTGGAAGGTATGTTCAAATAACTCTGTGAGGCATACAAAGTCACATTTGTTCAT-3'
Protein context (NP_001361757.1, residues 1339-1359): ASTPHGQMTP[Met1349Val]QGGRSSTISV

ClinVar aggregate classification (germline): Likely benign. Review status: criteria provided, multiple submitters, no conflicts (2 of 4 stars). 3 submissions from 3 submitters: Likely benign (2). 1 of the submissions does not count toward it. Last evaluated 2025-12-15.

Conditions:
ARID1B-Related Disorder. Identifiers: MedGen CN381337.
Inborn genetic diseases. Identifiers: MedGen C0950123, MeSH D030342.

Allele frequency attached by ClinVar (database versions not stated): ESP Exome Variant Server 0.00008.

Submissions (3):

Labcorp Genetics (formerly Invitae), Labcorp
Classification: Likely benign. Last evaluated: 2025-12-15. Review status: criteria provided, single submitter. Criteria: Invitae Variant Classification Sherloc (09022015). Collection method: clinical testing. Allele origin: germline.

Ambry Genetics
Classification: Likely benign for Inborn genetic diseases. Last evaluated: 2018-05-03. Review status: criteria provided, single submitter. Criteria: Ambry Variant Classification Scheme 2023. Collection method: clinical testing. Allele origin: germline.

PreventionGenetics, part of Exact Sciences
Classification: Likely benign for ARID1B-related condition. Last evaluated: 2023-11-15. Review status: no assertion criteria provided. Collection method: clinical testing. Allele origin: germline. Not counted in ClinVar's aggregate classification.
Comment: This variant is classified as likely benign based on ACMG/AMP sequence variant interpretation guidelines (Richards et al. 2015 PMID: 25741868, with internal and published modifications).